The following is an entry in ClinVar:

NM_006904.7(PRKDC):c.3716C>A (p.Pro1239His)

Gene: PRKDC (protein kinase, DNA-activated, catalytic subunit; minus strand). Cytogenetic location: 8q11.21.
Variant type: single nucleotide variant.
Coding change: c.3716C>A on transcript NM_006904.7 (MANE Select); coding-DNA position 3716, C replaced by A.
Protein change: p.Pro1239His; replaces proline 1239 with histidine.
Molecular consequence: missense variant.
Genome position (GRCh38, 1-based): chr8:47,893,270, G>T on the plus strand (C>A on the coding strand, the complement: PRKDC is on the minus strand). VCF-style: chr8-47893270-G-T. GRCh37 (hg19) VCF-style: chr8-48805830-G-T.
Other names: c.3716C>A, p.Pro1239His (NM_001081640.2); short protein forms P1239H.
Identifiers: ClinVar variation 2449905 (VCV002449905.2), dbSNP rs2551874331, ClinGen allele CA371150567.
Genomic context (GRCh38, chr8:47,893,270, plus strand): 5'-AGGTCCAGCCAGCATAGCGTGGCCTGCAGGCTGAATGGCCCCCGAAGGTACAAGAGGGTG[G>T]GCTGGGCCAGGATGCCCGAGGGCTGGCCACAGCCACCCCCCTCAAAGGTGTTGATGAGAA-3'
Protein context (NP_008835.5, residues 1229-1249): CGQPSGILAQ[Pro1239His]TLLYLRGPFS

ClinVar aggregate classification (germline): Uncertain significance (1 of 4 stars; one submission).

Submission:

Ambry Genetics
Classification: Uncertain significance. Last evaluated: 2023-03-04. Review status: criteria provided, single submitter. Criteria: Ambry Variant Classification Scheme 2023. Collection method: clinical testing. Allele origin: germline.
Comment: The p.P1239H variant (also known as c.3716C>A), located in coding exon 31 of the PRKDC gene, results from a C to A substitution at nucleotide position 3716. The proline at codon 1239 is replaced by histidine, an amino acid with similar properties. This amino acid position is conserved. In addition, the in silico prediction for this alteration is inconclusive. Since supporting evidence is limited at this time, the clinical significance of this alteration remains unclear.